The following is an entry in ClinVar:

NM_000091.5(COL4A3):c.1379C>T (p.Pro460Leu)

Genes: COL4A3 (collagen type IV alpha 3 chain; plus strand), MFF-DT (MFF divergent transcript; minus strand). Cytogenetic location: 2q36.3.
Variant type: single nucleotide variant.
Coding change: c.1379C>T on transcript NM_000091.5 (MANE Select); coding-DNA position 1379, C replaced by T.
Protein change: p.Pro460Leu; replaces proline 460 with leucine.
Molecular consequence: missense variant.
Genome position (GRCh38, 1-based): chr2:227,266,480, C>T. VCF-style: chr2-227266480-C-T. GRCh37 (hg19) VCF-style: chr2-228131196-C-T.
Other names: short protein forms P460L.
Identifiers: ClinVar variation 2205335 (VCV002205335.4), dbSNP rs371585017, ClinGen allele CA66634162.
Genomic context (GRCh38, chr2:227,266,480, plus strand): 5'-ACATCGTTTTTCGCAAGGGTCCACCTGGAGATCACGGACTGCCAGGCTATCTAGGGTCTC[C>T]AGGAATCCCAGGAGTTGATGGGCCCAAAGGTTGGTTCAATCAATAATGTTGTATTAGGAT-3'
Protein context (NP_000082.2, residues 450-470): DHGLPGYLGS[Pro460Leu]GIPGVDGPKG

ClinVar aggregate classification (germline): Uncertain significance. Review status: criteria provided, multiple submitters, no conflicts (2 of 4 stars). 3 submissions from 3 submitters: Uncertain significance (3). Last evaluated 2026-05-26.

Conditions:
COL4A3-related disorder. Also called: COL4A3-Related Disorders; COL4A3-related condition.
Inborn genetic diseases. Identifiers: MedGen C0950123, MeSH D030342.

Allele frequency attached by ClinVar (database versions not stated): TOPMed 0.00001; gnomAD 0.00002; gnomAD exomes 0.00005; ESP Exome Variant Server 0.00008.

Submissions (3):

PreventionGenetics, part of Exact Sciences
Classification: Uncertain significance for COL4A3-related condition. Last evaluated: 2026-05-26. Review status: criteria provided, single submitter. Criteria: ACMG Guidelines, 2015. Collection method: clinical testing. Allele origin: germline.
Comment: The COL4A3 c.1379C>T variant is predicted to result in the amino acid substitution p.Pro460Leu. To our knowledge, this variant has not been reported in the literature. This variant is reported in 0.0041% of alleles in individuals of African descent in gnomAD. At this time, the clinical significance of this variant is uncertain due to the absence of conclusive functional and genetic evidence.

Labcorp Genetics (formerly Invitae), Labcorp
Classification: Uncertain significance. Last evaluated: 2025-09-11. Review status: criteria provided, single submitter. Criteria: Invitae Variant Classification Sherloc (09022015). Collection method: clinical testing. Allele origin: germline.
Comment: This sequence change replaces proline, which is neutral and non-polar, with leucine, which is neutral and non-polar, at codon 460 of the COL4A3 protein (p.Pro460Leu). This variant is present in population databases (rs371585017, gnomAD 0.004%). This variant has not been reported in the literature in individuals affected with COL4A3-related conditions. ClinVar contains an entry for this variant (Variation ID: 2205335). Invitae Evidence Modeling of protein sequence and biophysical properties (such as structural, functional, and spatial information, amino acid conservation, physicochemical variation, residue mobility, and thermodynamic stability) has been performed for this missense variant. However, the output from this modeling did not meet the statistical confidence thresholds required to predict the impact of this variant on COL4A3 protein function. In summary, the available evidence is currently insufficient to determine the role of this variant in disease. Therefore, it has been classified as a Variant of Uncertain Significance.

Ambry Genetics
Classification: Uncertain significance for Inborn genetic diseases. Last evaluated: 2021-08-16. Review status: criteria provided, single submitter. Criteria: Ambry Variant Classification Scheme 2023. Collection method: clinical testing. Allele origin: germline.